The following is an entry in ClinVar:

ClinVar aggregate classification (germline): Uncertain significance. Review status: criteria provided, multiple submitters, no conflicts (2 of 4 stars). 2 submissions from 2 submitters: Uncertain significance (2). Last evaluated 2026-03-30.

Conditions:
Cardiovascular phenotype. Identifiers: MedGen CN230736.

Allele frequency attached by ClinVar (database versions not stated): TOPMed 0.00001; gnomAD exomes below 0.00001.
gnomAD v4.1: 1 of 1,606,716 alleles (0.000062%); highest among the groups gnomAD compares: Non-Finnish European, 0.000085%; no homozygotes.

Submissions (2):

Ambry Genetics
Classification: Uncertain significance for Cardiovascular phenotype. Last evaluated: 2026-03-30. Review status: criteria provided, single submitter. Criteria: Ambry Variant Classification Scheme 2023. Collection method: clinical testing. Allele origin: germline.
Comment: The p.I121N variant (also known as c.362T>A), located in coding exon 2 of the TBX20 gene, results from a T to A substitution at nucleotide position 362. The isoleucine at codon 121 is replaced by asparagine, an amino acid with dissimilar properties. This amino acid position is conserved. In addition, this alteration is predicted to be deleterious by in silico analysis. Based on the available evidence, the clinical significance of this variant remains unclear.

Labcorp Genetics (formerly Invitae), Labcorp
Classification: Uncertain significance. Last evaluated: 2022-04-21. Review status: criteria provided, single submitter. Criteria: Invitae Variant Classification Sherloc (09022015). Collection method: clinical testing. Allele origin: germline.
Comment: Algorithms developed to predict the effect of missense changes on protein structure and function (SIFT, PolyPhen-2, Align-GVGD) all suggest that this variant is likely to be disruptive. This variant has not been reported in the literature in individuals affected with TBX20-related conditions. This variant is not present in population databases (gnomAD no frequency). This sequence change replaces isoleucine, which is neutral and non-polar, with asparagine, which is neutral and polar, at codon 121 of the TBX20 protein (p.Ile121Asn). In summary, the available evidence is currently insufficient to determine the role of this variant in disease. Therefore, it has been classified as a Variant of Uncertain Significance.

NM_001077653.2(TBX20):c.362T>A (p.Ile121Asn)

Gene: TBX20 (T-box transcription factor 20; minus strand). Cytogenetic location: 7p14.2.
Variant type: single nucleotide variant.
Coding change: c.362T>A on transcript NM_001077653.2 (MANE Select); coding-DNA position 362, T replaced by A.
Protein change: p.Ile121Asn; replaces isoleucine 121 with asparagine.
Molecular consequence: missense variant.
Genome position (GRCh38, 1-based): chr7:35,249,969, A>T on the plus strand (T>A on the coding strand, the complement: TBX20 is on the minus strand). VCF-style: chr7-35249969-A-T. GRCh37 (hg19) VCF-style: chr7-35289581-A-T.
Other names: c.362T>A, p.Ile121Asn (NM_001166220.1); short protein forms I121N.
Identifiers: ClinVar variation 2128809 (VCV002128809.5), dbSNP rs1256735922, ClinGen allele CA367264916.